The following is an entry in ClinVar:

ClinVar aggregate classification (germline): Likely benign. Review status: criteria provided, multiple submitters, no conflicts (2 of 4 stars). 2 submissions from 2 submitters: Likely benign (2). Last evaluated 2024-08-13.

Conditions:
RYR1-related disorder. Also called: RYR1-related disorders; RYR1-related condition. Identifiers: MedGen CN239331.
Malignant hyperthermia, susceptibility to, 1 (MHS1). Also called: RYR1-Related Malignant Hyperthermia Susceptibility; Malignant hyperthermia suceptibility 1; Anesthesia related hyperthermia; Malignant hyperpyrexia; Fulminating hyperpyrexia; Pharmacogenic myopathy. Identifiers: Orphanet 423, MedGen C2930980, MONDO:0007783, OMIM 145600.

Allele frequency attached by ClinVar (database versions not stated): gnomAD 0.00001.
gnomAD v4.1: 2 of 1,613,958 alleles (0.00012%); highest among the groups gnomAD compares: African/African-American, 0.0013%; no homozygotes.

Submissions (2):

All of Us Research Program, National Institutes of Health
Classification: Likely benign for Malignant hyperthermia, susceptibility to, 1. Last evaluated: 2024-08-13. Review status: criteria provided, single submitter. Criteria: ACMG Guidelines, 2015. Collection method: clinical testing. Allele origin: germline. Inheritance: Autosomal dominant inheritance. Observed: 2 variant alleles, 2 heterozygotes.
Comment: This study involves interpretation of variants in research participants for the purpose of population health screening. Participant phenotype was not available at the time of variant classification. Additional details can be found in publication PMID: 35346344, PMCID: PMC8962531

Labcorp Genetics (formerly Invitae), Labcorp
Classification: Likely benign for RYR1-related disorder. Last evaluated: 2023-10-15. Review status: criteria provided, single submitter. Criteria: Invitae Variant Classification Sherloc (09022015). Collection method: clinical testing. Allele origin: germline.

NM_000540.3(RYR1):c.12423C>T (p.Asn4141=)

Gene: RYR1 (ryanodine receptor 1; plus strand). Cytogenetic location: 19q13.2.
Variant type: single nucleotide variant.
Coding change: c.12423C>T on transcript NM_000540.3 (MANE Select); coding-DNA position 12423, C replaced by T.
Protein change: p.Asn4141=; no amino-acid change (asparagine 4141 retained).
Molecular consequence: synonymous variant.
Genome position (GRCh38, 1-based): chr19:38,561,253, C>T. VCF-style: chr19-38561253-C-T. GRCh37 (hg19) VCF-style: chr19-39051893-C-T.
Other names: c.12408C>T, p.Asn4136= (NM_001042723.2).
Identifiers: ClinVar variation 2188970 (VCV002188970.5), dbSNP rs1599625499, ClinGen allele CA507355086.
Genomic context (GRCh38, chr19:38,561,253, plus strand): 5'-GATCAACTGCGAAGAGTTCGCCAACCGCTTCCAGGAGCCAGCACGCGACATCGGCTTCAA[C>T]GTGGCGGTGCTGCTGACCAACCTGTCGGAGCATGTGCCGCATGACCCTCGCCTGCACAAC-3'
Protein context (NP_000531.2, residues 4131-4151): FQEPARDIGF[Asn4141=]VAVLLTNLSE